The following is an entry in ClinVar:

ClinVar aggregate classification (germline): Pathogenic (1 of 4 stars; one submission).

Conditions:
Luscan-Lumish syndrome. Identifiers: Orphanet 597738, MedGen C4085873, MONDO:0014791, OMIM 616831.

Submission:

Victorian Clinical Genetics Services, Murdoch Childrens Research Institute
Classification: Pathogenic for Luscan-Lumish syndrome. Last evaluated: 2023-07-17. Review status: criteria provided, single submitter. Criteria: ACMG Guidelines, 2015. Collection method: clinical testing. Allele origin: germline. Inheritance: Autosomal dominant inheritance. Affected: yes.
Comment: Based on the classification scheme VCGS_Germline_v1.3.4, this variant is classified as Pathogenic. Following criteria are met: 0102 - Loss of function is a known mechanism of disease in this gene and is associated with Luscan-Lumish syndrome (MIM#616831, PMID: 27528607). However, the mechanisms for Rabin-Pappas syndrome (MIM#620155) and intellectual developmental disorder (MIM#620157) are currently unknown. (I) 0107 - This gene is associated with autosomal dominant disease. Luscan-Lumish syndrome has been associated with a wide mutational spectrum; while Rabin-Pappas syndrome and intellectual developmental disorder have been reported as being associated with only two variants, p.(Arg1740Trp) and p.(Arg1740Gln), respectively. (I) 0115 - Variants in this gene are known to have variable expressivity. The degree of intellectual disability and speech delay shows variability and cases have presented with and without obesity and overgrowth (PMID: 29681085). (I) 0201 - Variant is predicted to cause nonsense-mediated decay (NMD) and loss of protein (premature termination codon is located at least 54 nucleotides upstream of the final exon-exon junction). (SP) 0251 - This variant is heterozygous. (I) 0301 - Variant is absent from gnomAD (both v2 and v3). (SP) 0701 - Other NMD-predicted (nonsense and frameshift) variants comparable to the one identified in this case have very strong previous evidence for pathogenicity (ClinVar; PMID: 26084711, 23160955, 24852293, 37025455, 29681085). (SP) 0807 - This variant has no previous evidence of pathogenicity. (I) 0905 - No published segregation evidence has been identified for this variant. (I) 1007 - No published functional evidence has been identified for this variant. (I) 1208 - Inheritance information for this variant is not currently available in this individual. (I) Legend: (SP) - Supporting pathogenic, (I) - Information, (SB) - Supporting benign

Literature cited by the submitters: PubMed 23160955; PubMed 24852293; PubMed 26084711; PubMed 27528607; PubMed 29681085; PubMed 37025455.

NM_014159.7(SETD2):c.5881_5882insT (p.Glu1961fs)

Gene: SETD2 (SET domain containing 2, histone lysine methyltransferase; minus strand). Cytogenetic location: 3p21.31.
Variant type: Insertion.
Coding change: c.5881_5882insT on transcript NM_014159.7 (MANE Select); coding-DNA positions 5881 to 5882, T inserted.
Protein change: p.Glu1961fs; shifts the reading frame from glutamic acid 1961.
Molecular consequence: frameshift variant. On other transcripts: non-coding transcript variant (1).
Genome position: GRCh38 VCF-style: chr3-47083898-T-TA. GRCh37 (hg19) VCF-style: chr3-47125388-T-TA.
Other names: c.5749_5750insT, p.Glu1917fs (NM_001349370.3); short protein forms E1917fs, E1961fs.
Identifiers: ClinVar variation 3254633 (VCV003254633.1), dbSNP rs2545516986.